The following is an entry in ClinVar:

ClinVar aggregate classification (germline): Uncertain significance (1 of 4 stars; one submission).

Conditions:
Arrhythmogenic right ventricular dysplasia 5. Also called: Arrhythmogenic Right Ventricular Dysplasia/Cardiomyopathy 5; ARRHYTHMOGENIC RIGHT VENTRICULAR DYSPLASIA, FAMILIAL, 5. Identifiers: MedGen C1858379, MONDO:0011459, OMIM 604400.

gnomAD v4.1: 1 of 1,614,096 alleles (0.000062%); highest among the groups gnomAD compares: South Asian, 0.0011%; no homozygotes.

Submission:

Labcorp Genetics (formerly Invitae), Labcorp
Classification: Uncertain significance for Arrhythmogenic right ventricular dysplasia 5. Last evaluated: 2025-11-17. Review status: criteria provided, single submitter. Criteria: Invitae Variant Classification Sherloc (09022015). Collection method: clinical testing. Allele origin: germline.
Comment: This sequence change replaces glutamine, which is neutral and polar, with arginine, which is basic and polar, at codon 123 of the TMEM43 protein (p.Gln123Arg). This variant is not present in population databases (gnomAD no frequency). This variant has not been reported in the literature in individuals affected with TMEM43-related conditions. Invitae Evidence Modeling of protein sequence and biophysical properties (such as structural, functional, and spatial information, amino acid conservation, physicochemical variation, residue mobility, and thermodynamic stability) indicates that this missense variant is expected to disrupt TMEM43 protein function with a positive predictive value of 80%. In summary, the available evidence is currently insufficient to determine the role of this variant in disease. Therefore, it has been classified as a Variant of Uncertain Significance.

NM_024334.3(TMEM43):c.368A>G (p.Gln123Arg)

Gene: TMEM43 (transmembrane protein 43; plus strand). Cytogenetic location: 3p25.1.
Variant type: single nucleotide variant.
Coding change: c.368A>G on transcript NM_024334.3 (MANE Select); coding-DNA position 368, A replaced by G.
Protein change: p.Gln123Arg; replaces glutamine 123 with arginine.
Molecular consequence: missense variant.
Genome position (GRCh38, 1-based): chr3:14,131,650, A>G. VCF-style: chr3-14131650-A-G. GRCh37 (hg19) VCF-style: chr3-14173150-A-G.
Other names: c.368A>G, p.Gln123Arg (NM_001407274.1, NM_001407275.1, NM_001407276.1 and 2 more transcripts); c.353A>G, p.Gln118Arg (NM_001407278.1); c.218A>G, p.Gln73Arg (NM_001407280.1); short protein forms Q118R, Q73R, Q123R.
Identifiers: ClinVar variation 4768631 (VCV004768631.1).
Genomic context (GRCh38, chr3:14,131,650, plus strand): 5'-ATCCAAACTATGGGGTCCATCTTCCGGCTGTGAAACTGCGGAGGCACGTGGAGATGTACC[A>G]ATGGGTAGAAACTGAGGAGTCCAGGTGAGCTGTTGGGGTGAAAACTCTGTTGGGGTAAAG-3'
Protein context (NP_077310.1, residues 113-133): VKLRRHVEMY[Gln123Arg]WVETEESREY